The following is an entry in ClinVar:

ClinVar aggregate classification (germline): Benign. Review status: criteria provided, multiple submitters, no conflicts (2 of 4 stars). 3 submissions from 3 submitters: Benign (3). Last evaluated 2025-09-30.

Conditions:
C3 glomerulonephritis. Also called: Nephropathy due to CFHR5 Deficiency; C3 GLOMERULOPATHY 3. Identifiers: Orphanet 329931, MedGen C4055342, MONDO:0013892, OMIM 614809.
Atypical hemolytic-uremic syndrome. Identifiers: Orphanet 2134, MedGen C2931788, MONDO:0016244.
Complement component 3 deficiency. Identifiers: Orphanet 280133, MedGen C3151071, MONDO:0013417, OMIM 613779.

Allele frequency attached by ClinVar (database versions not stated): 1000 Genomes Project 30x 0.02577; 1000 Genomes Project 0.02676; TOPMed 0.03167; gnomAD 0.03437 and 0.03516.
gnomAD v4.1: 44,337 of 1,025,864 alleles (4.3%); highest among the groups gnomAD compares: South Asian, 5.3%; 1,147 homozygotes.

Submissions (3):

Genomenon, Inc
Classification: Benign for Complement component 3 deficiency; C3 glomerulonephritis; Atypical hemolytic-uremic syndrome. Last evaluated: 2025-09-30. Review status: criteria provided, single submitter. Criteria: Genomenon Sequence Variant Interpretation Standards. Collection method: curation. Allele origin: germline. Affected: no.
Comment: C3 c.4457-71C>T is an intronic variant located in intron 36. This variant has been reported in the published literature (PMID:37761846;36615095). This variant is present at high allele frequency in population databases. In conclusion, we classify C3 c.4457-71C>T as a benign variant.

GeneDx
Classification: Benign. Last evaluated: 2021-06-18. Review status: criteria provided, single submitter. Criteria: GeneDx Variant Classification Process June 2021. Collection method: clinical testing. Allele origin: germline. Affected: yes.

Breakthrough Genomics
Classification: Benign. Review status: criteria provided, single submitter. Criteria: ACMG Guidelines, 2015. Collection method: not provided. Allele origin: germline. Inheritance: Autosomal recessive inheritance. Affected: yes.

Literature cited by the submitters: PubMed 37761846 (cited by Genomenon, Inc); PubMed 36615095 (cited by Genomenon, Inc).

NM_000064.4(C3):c.4457-71C>T

Gene: C3 (complement C3; minus strand). Cytogenetic location: 19p13.3.
Variant type: single nucleotide variant.
Coding change: c.4457-71C>T on transcript NM_000064.4 (MANE Select); 71 bases into the intron before coding-DNA position 4457, C replaced by T.
Molecular consequence: intron variant.
Genome position (GRCh38, 1-based): chr19:6,679,567, G>A on the plus strand (C>T on the coding strand, the complement: C3 is on the minus strand). VCF-style: chr19-6679567-G-A. GRCh37 (hg19) VCF-style: chr19-6679578-G-A.
Identifiers: ClinVar variation 1295051 (VCV001295051.4), dbSNP rs11569560, ClinGen allele CA304771783.